The following is an entry in ClinVar:

NM_004655.4(AXIN2):c.1994G>C (p.Gly665Ala)

Gene: AXIN2 (axin 2; minus strand). Cytogenetic location: 17q24.1.
Variant type: single nucleotide variant.
Coding change: c.1994G>C on transcript NM_004655.4 (MANE Select); coding-DNA position 1994, G replaced by C.
Protein change: p.Gly665Ala; replaces glycine 665 with alanine.
Molecular consequence: missense variant.
Genome position (GRCh38, 1-based): chr17:65,536,467, C>G on the plus strand (G>C on the coding strand, the complement: AXIN2 is on the minus strand). VCF-style: chr17-65536467-C-G. GRCh37 (hg19) VCF-style: chr17-63532585-C-G.
Other names: c.1799G>C, p.Gly600Ala (NM_001363813.1); short protein forms G600A, G665A.
Identifiers: ClinVar variation 1002612 (VCV001002612.8), dbSNP rs772202125, ClinGen allele CA400676191.
Genomic context (GRCh38, chr17:65,536,467, plus strand): 5'-ATCGCAGGGTCCTGGGTGAACAGGTGGGCACGGGGGGTGGTGCGGGGGTGCCCGCTGTTG[C>G]CCCCCCACAGATGGTGCCGGCTGGCTCGTTCGCCTGGAGACGAGCGGGCAGACTCCAAGG-3'
Protein context (NP_004646.3, residues 655-675): ERASRHHLWG[Gly665Ala]NSGHPRTTPR

ClinVar aggregate classification (germline): Uncertain significance (1 of 4 stars; one submission).

Conditions:
Oligodontia-cancer predisposition syndrome. Also called: TOOTH AGENESIS-COLORECTAL CANCER SYNDROME. Identifiers: Orphanet 300576, MedGen C1837750, MONDO:0012075, OMIM 608615. Disease mechanism: loss of function.

Submission:

Labcorp Genetics (formerly Invitae), Labcorp
Classification: Uncertain significance for Oligodontia-cancer predisposition syndrome. Last evaluated: 2020-08-14. Review status: criteria provided, single submitter. Criteria: Invitae Variant Classification Sherloc (09022015). Collection method: clinical testing. Allele origin: germline.
Comment: This variant has not been reported in the literature in individuals with AXIN2-related conditions. This variant is not present in population databases (ExAC no frequency). This sequence change replaces glycine with alanine at codon 665 of the AXIN2 protein (p.Gly665Ala). The glycine residue is moderately conserved and there is a small physicochemical difference between glycine and alanine. In summary, the available evidence is currently insufficient to determine the role of this variant in disease. Therefore, it has been classified as a Variant of Uncertain Significance. Algorithms developed to predict the effect of missense changes on protein structure and function output the following: SIFT: "Tolerated"; PolyPhen-2: "Benign"; Align-GVGD: "Class C0". The alanine amino acid residue is found in multiple mammalian species, suggesting that this missense change does not adversely affect protein function. These predictions have not been confirmed by published functional studies and their clinical significance is uncertain.